The following is an entry in ClinVar:

NM_000070.3(CAPN3):c.1657G>A (p.Glu553Lys)

Gene: CAPN3 (calpain 3; plus strand). Cytogenetic location: 15q15.1.
Variant type: single nucleotide variant.
Coding change: c.1657G>A on transcript NM_000070.3 (MANE Select); coding-DNA position 1657, G replaced by A.
Protein change: p.Glu553Lys; replaces glutamic acid 553 with lysine.
Molecular consequence: missense variant.
Genome position (GRCh38, 1-based): chr15:42,402,914, G>A. VCF-style: chr15-42402914-G-A. GRCh37 (hg19) VCF-style: chr15-42695112-G-A.
Other names: c.1657G>A, p.Glu553Lys (NM_024344.2); c.1513G>A, p.Glu505Lys (NM_173087.2); c.121G>A, p.Glu41Lys (NM_173088.2); short protein forms E553K, E505K, E41K.
Identifiers: ClinVar variation 553020 (VCV000553020.38), dbSNP rs767739787, ClinGen allele CA7511458.

ClinVar aggregate classification (germline): Pathogenic/Likely pathogenic. Review status: criteria provided, multiple submitters, no conflicts (2 of 4 stars). 7 submissions from 7 submitters: Pathogenic (3); Likely pathogenic (3). 1 of the submissions does not count toward it. Last evaluated 2025-10-02.

Conditions:
Autosomal recessive limb-girdle muscular dystrophy type 2A (LGMDR1). Also called: LEYDEN-MOEBIUS MUSCULAR DYSTROPHY; MUSCULAR DYSTROPHY, PELVOFEMORAL; Limb-girdle muscular dystrophy, type 2A; Calpainopathy; Muscular dystrophy, limb-girdle, type 2A, Amish. Identifiers: Orphanet 267, MedGen C1869123, MONDO:0009675, OMIM 253600. Disease mechanism: loss of function.
Muscular dystrophy, limb-girdle, autosomal dominant 4. Also called: Calpain-3-related limb-girdle muscular dystrophy D4; MUSCULAR DYSTROPHY, LIMB-GIRDLE, TYPE 1I. Identifiers: Orphanet 565909, MedGen C4748295, MONDO:0029133, OMIM 618129.
Abnormality of the musculature. Identifiers: MedGen C4021745, HP:0003011.

Allele frequency attached by ClinVar (database versions not stated): gnomAD exomes below 0.00001; ExAC 0.00001.
gnomAD v4.1: 6 of 1,614,184 alleles (0.00037%); highest among the groups gnomAD compares: African/African-American, 0.0013%; no homozygotes.

Submissions (7):

Labcorp Genetics (formerly Invitae), Labcorp
Classification: Pathogenic for Autosomal recessive limb-girdle muscular dystrophy type 2A. Last evaluated: 2025-10-02. Review status: criteria provided, single submitter. Criteria: Invitae Variant Classification Sherloc (09022015). Collection method: clinical testing. Allele origin: germline.
Comment: This sequence change replaces glutamic acid, which is acidic and polar, with lysine, which is basic and polar, at codon 553 of the CAPN3 protein (p.Glu553Lys). This variant is present in population databases (rs767739787, gnomAD 0.0009%). This missense change has been observed in individual(s) with autosomal recessive limb-girdle muscular dystrophy type 2A (PMID: 11731278, 15689361, 20044116, 21204801). In at least one individual the data is consistent with being in trans (on the opposite chromosome) from a pathogenic variant. ClinVar contains an entry for this variant (Variation ID: 553020). Invitae Evidence Modeling of protein sequence and biophysical properties (such as structural, functional, and spatial information, amino acid conservation, physicochemical variation, residue mobility, and thermodynamic stability) indicates that this missense variant is not expected to disrupt CAPN3 protein function with a negative predictive value of 80%. For these reasons, this variant has been classified as Pathogenic.

Baylor Genetics
Classification: Pathogenic for Muscular dystrophy, limb-girdle, autosomal dominant 4. Last evaluated: 2024-03-14. Review status: criteria provided, single submitter. Criteria: ACMG Guidelines, 2015. Collection method: clinical testing. Allele origin: unknown.

Fulgent Genetics
Classification: Pathogenic for Autosomal recessive limb-girdle muscular dystrophy type 2A; Muscular dystrophy, limb-girdle, autosomal dominant 4. Last evaluated: 2024-02-07. Review status: criteria provided, single submitter. Criteria: ACMG Guidelines, 2015. Collection method: clinical testing. Allele origin: germline.

Revvity Omics, Revvity
Classification: Likely pathogenic. Last evaluated: 2021-10-07. Review status: criteria provided, single submitter. Criteria: ACMG Guidelines, 2015. Collection method: clinical testing. Allele origin: germline.

Kariminejad - Najmabadi Pathology & Genetics Center
Classification: Likely pathogenic for Abnormality of the musculature. Last evaluated: 2021-07-10. Review status: criteria provided, single submitter. Criteria: ACMG Guidelines, 2015. Collection method: clinical testing. Allele origin: germline. Affected: yes.

GeneDx
Classification: Likely pathogenic. Last evaluated: 2019-03-22. Review status: criteria provided, single submitter. Criteria: GeneDx Variant Classification Process June 2021. Collection method: clinical testing. Allele origin: germline. Affected: yes.
Comment: Not observed at a significant frequency in large population cohorts (Lek et al., 2016); In silico analysis, which includes protein predictors and evolutionary conservation, supports a deleterious effect; This variant is associated with the following publications: (PMID: 20044116, 15689361, 21204801, 11731278)

Counsyl
Classification: Likely pathogenic for Autosomal recessive limb-girdle muscular dystrophy type 2A. Last evaluated: 2017-07-25. Review status: no assertion criteria provided. Collection method: clinical testing. Allele origin: unknown. Not counted in ClinVar's aggregate classification.

Literature cited by the submitters: PubMed 11731278 (cited by Labcorp Genetics (formerly Invitae), Labcorp and Counsyl); PubMed 15689361 (cited by Labcorp Genetics (formerly Invitae), Labcorp and Counsyl); PubMed 20044116 (cited by Labcorp Genetics (formerly Invitae), Labcorp); PubMed 21204801 (cited by Labcorp Genetics (formerly Invitae), Labcorp and Counsyl).